The following is an entry in ClinVar:

NM_001366385.1(CARD14):c.2728G>A (p.Val910Ile)

Genes: SGSH (N-sulfoglucosamine sulfohydrolase; minus strand), CARD14 (caspase recruitment domain family member 14; plus strand). Cytogenetic location: 17q25.3.
Variant type: single nucleotide variant.
Coding change: c.2728G>A on transcript NM_001366385.1 (MANE Select); coding-DNA position 2728, G replaced by A.
Protein change: p.Val910Ile; replaces valine 910 with isoleucine.
Molecular consequence: missense variant. On other transcripts: non-coding transcript variant (1).
Genome position (GRCh38, 1-based): chr17:80,207,006, G>A. VCF-style: chr17-80207006-G-A. GRCh37 (hg19) VCF-style: chr17-78180805-G-A.
Other names: c.2728G>A, p.Val910Ile (NM_024110.4); short protein forms V910I.
Identifiers: ClinVar variation 3759104 (VCV003759104.2).

ClinVar aggregate classification (germline): Uncertain significance (1 of 4 stars; one submission).

Conditions:
Pityriasis rubra pilaris (PRP). Also called: Pityriasis rubra pilaris--familial type. Identifiers: Orphanet 2897, MedGen C0032027, MONDO:0100017, OMIM 173200, MONDO:0008251.
Psoriasis 2. Identifiers: MedGen C1864497, MONDO:0011269, OMIM 602723.

Submission:

Labcorp Genetics (formerly Invitae), Labcorp
Classification: Uncertain significance for Pityriasis rubra pilaris; Psoriasis 2. Last evaluated: 2024-09-28. Review status: criteria provided, single submitter. Criteria: Invitae Variant Classification Sherloc (09022015). Collection method: clinical testing. Allele origin: germline.
Comment: This sequence change replaces valine, which is neutral and non-polar, with isoleucine, which is neutral and non-polar, at codon 910 of the CARD14 protein (p.Val910Ile). This variant is not present in population databases (gnomAD no frequency). This variant has not been reported in the literature in individuals affected with CARD14-related conditions. Invitae Evidence Modeling of protein sequence and biophysical properties (such as structural, functional, and spatial information, amino acid conservation, physicochemical variation, residue mobility, and thermodynamic stability) indicates that this missense variant is not expected to disrupt CARD14 protein function with a negative predictive value of 80%. In summary, the available evidence is currently insufficient to determine the role of this variant in disease. Therefore, it has been classified as a Variant of Uncertain Significance.